The following is an entry in ClinVar:

ClinVar aggregate classification (germline): Uncertain significance (1 of 4 stars; one submission).

Conditions:
Multiple congenital anomalies-hypotonia-seizures syndrome 1 (MCAHS1). Also called: PIGN-CDG; Congenital disorder of glycosylation due to PIGN deficiency; GLYCOSYLPHOSPHATIDYLINOSITOL BIOSYNTHESIS DEFECT 3. Identifiers: Orphanet 280633, MedGen C3279775, MONDO:0013563, OMIM 614080.

Allele frequency attached by ClinVar (database versions not stated): TOPMed below 0.00001.

Submission:

Labcorp Genetics (formerly Invitae), Labcorp
Classification: Uncertain significance for Multiple congenital anomalies-hypotonia-seizures syndrome 1. Last evaluated: 2024-07-01. Review status: criteria provided, single submitter. Criteria: Invitae Variant Classification Sherloc (09022015). Collection method: clinical testing. Allele origin: germline.
Comment: This sequence change replaces glutamic acid, which is acidic and polar, with aspartic acid, which is acidic and polar, at codon 240 of the PIGN protein (p.Glu240Asp). This variant is not present in population databases (gnomAD no frequency). This variant has not been reported in the literature in individuals affected with PIGN-related conditions. ClinVar contains an entry for this variant (Variation ID: 582240). Advanced modeling of protein sequence and biophysical properties (such as structural, functional, and spatial information, amino acid conservation, physicochemical variation, residue mobility, and thermodynamic stability) performed at Invitae indicates that this missense variant is not expected to disrupt PIGN protein function with a negative predictive value of 80%. In summary, the available evidence is currently insufficient to determine the role of this variant in disease. Therefore, it has been classified as a Variant of Uncertain Significance.

NM_176787.5(PIGN):c.720A>C (p.Glu240Asp)

Gene: PIGN (phosphatidylinositol glycan anchor biosynthesis class N; minus strand). Cytogenetic location: 18q21.33.
Variant type: single nucleotide variant.
Coding change: c.720A>C on transcript NM_176787.5 (MANE Select); coding-DNA position 720, A replaced by C.
Protein change: p.Glu240Asp; replaces glutamic acid 240 with aspartic acid.
Molecular consequence: missense variant.
Genome position (GRCh38, 1-based): chr18:62,147,056, T>G on the plus strand (A>C on the coding strand, the complement: PIGN is on the minus strand). VCF-style: chr18-62147056-T-G. GRCh37 (hg19) VCF-style: chr18-59814289-T-G.
Other names: c.720A>C, p.Glu240Asp (NM_012327.6); short protein forms E240D.
Identifiers: ClinVar variation 582240 (VCV000582240.8), dbSNP rs1568228483, ClinGen allele CA402601746.